The following is an entry in ClinVar:

NM_001184727.2(GPRASP1):c.2064C>T (p.Ala688=)

Genes: ARMCX5-GPRASP2 (ARMCX5-GPRASP2 readthrough; plus strand), GPRASP1 (G protein-coupled receptor associated sorting protein 1; plus strand). Cytogenetic location: Xq22.1.
Variant type: single nucleotide variant.
Coding change: c.2064C>T on transcript NM_001184727.2 (MANE Select); coding-DNA position 2064, C replaced by T.
Protein change: p.Ala688=; no amino-acid change (alanine 688 retained).
Molecular consequence: synonymous variant. On other transcripts: intron variant (2).
Genome position (GRCh38, 1-based): chrX:102,655,977, C>T. VCF-style: chrX-102655977-C-T. GRCh37 (hg19) VCF-style: chrX-101910905-C-T.
Other names: c.2064C>T, p.Ala688= (NM_001099410.2, NM_001099411.2, NM_014710.5); c.-480+50324C>T (NM_001199818.1); c.-966+50324C>T (NM_001350268.2).
Identifiers: ClinVar variation 2661082 (VCV002661082.24), dbSNP rs745841783, ClinGen allele CA10476182.

ClinVar aggregate classification (germline): Likely benign (1 of 4 stars; one submission).

Allele frequency attached by ClinVar (database versions not stated): TOPMed 0.00003; gnomAD exomes 0.00004; gnomAD 0.00005; ExAC 0.00016; 1000 Genomes Project 30x 0.00042; 1000 Genomes Project 0.00053.
gnomAD v4.1: 53 of 1,209,360 alleles (0.0044%); highest among the groups gnomAD compares: South Asian, 0.046%; no homozygotes.

Submission:

CeGaT Center for Human Genetics Tuebingen
Classification: Likely benign. Last evaluated: 2023-03-01. Review status: criteria provided, single submitter. Criteria: CeGaT Center For Human Genetics Tuebingen Variant Classification Criteria Version 2. Collection method: clinical testing. Allele origin: germline. Affected: yes. Observed: 1 variant allele.
Comment: GPRASP1: BP4, BP7, BS2